The following is an entry in ClinVar:

ClinVar aggregate classification (germline): Likely benign. Review status: criteria provided, multiple submitters, no conflicts (2 of 4 stars). 3 submissions from 3 submitters: Likely benign (2). 1 of the submissions does not count toward it. Last evaluated 2025-04-09.

Conditions:
NRAP-related disorder. Also called: NRAP-related condition.

Allele frequency attached by ClinVar (database versions not stated): gnomAD exomes 0.00036; ExAC 0.00111; 1000 Genomes Project 0.00379; ESP Exome Variant Server 0.00408; 1000 Genomes Project 30x 0.00422.
gnomAD v4.1: 1,099 of 1,586,892 alleles (0.069%); highest among the groups gnomAD compares: African/African-American, 1.3%; 7 homozygotes.

Submissions (3):

Molecular Diagnostic Laboratory for Inherited Cardiovascular Disease, Montreal Heart Institute
Classification: Likely benign. Last evaluated: 2025-04-09. Review status: criteria provided, single submitter. Criteria: ACMG Guidelines, 2015. Collection method: clinical testing. Allele origin: germline. Affected: no.

Blueprint Genetics
Classification: Likely benign. Last evaluated: 2024-11-27. Review status: criteria provided, single submitter. Criteria: ACMG Guidelines, 2015. Collection method: clinical testing. Allele origin: germline.

PreventionGenetics, part of Exact Sciences
Classification: Benign for NRAP-related condition. Last evaluated: 2019-03-06. Review status: no assertion criteria provided. Collection method: clinical testing. Allele origin: germline. Not counted in ClinVar's aggregate classification.
Comment: This variant is classified as benign based on ACMG/AMP sequence variant interpretation guidelines (Richards et al. 2015 PMID: 25741868, with internal and published modifications).

NM_198060.4(NRAP):c.3300+8G>C

Gene: NRAP (nebulin related anchoring protein; minus strand). Cytogenetic location: 10q25.3.
Variant type: single nucleotide variant.
Coding change: c.3300+8G>C on transcript NM_198060.4 (MANE Select); 8 bases into the intron after coding-DNA position 3300, G replaced by C.
Molecular consequence: intron variant.
Genome position (GRCh38, 1-based): chr10:113,614,175, C>G on the plus strand (G>C on the coding strand, the complement: NRAP is on the minus strand). VCF-style: chr10-113614175-C-G. GRCh37 (hg19) VCF-style: chr10-115373934-C-G.
Other names: c.3195+8G>C (NM_006175.5); c.3192+8G>C (NM_001322945.2); c.3300+8G>C (NM_001261463.2, NM_198060.3).
Identifiers: ClinVar variation 3055529 (VCV003055529.4), dbSNP rs148648794, ClinGen allele CA5694841.